The following is an entry in ClinVar:

ClinVar aggregate classification (germline): Uncertain significance (1 of 4 stars; one submission).

Conditions:
Atrioventricular septal defect 5 (AVSD5). Identifiers: MedGen C3280939, MONDO:0013769, OMIM 614474.

Allele frequency attached by ClinVar (database versions not stated): TOPMed below 0.00001; gnomAD 0.00001.
gnomAD v4.1: 5 of 1,592,038 alleles (0.00031%); highest among the groups gnomAD compares: East Asian, 0.0067%; no homozygotes.

Submission:

Labcorp Genetics (formerly Invitae), Labcorp
Classification: Uncertain significance for Atrioventricular septal defect 5. Last evaluated: 2022-02-09. Review status: criteria provided, single submitter. Criteria: Invitae Variant Classification Sherloc (09022015). Collection method: clinical testing. Allele origin: germline.
Comment: This variant has not been reported in the literature in individuals affected with GATA6-related conditions. In summary, the available evidence is currently insufficient to determine the role of this variant in disease. Therefore, it has been classified as a Variant of Uncertain Significance. Algorithms developed to predict the effect of missense changes on protein structure and function are either unavailable or do not agree on the potential impact of this missense change (SIFT: "Tolerated"; PolyPhen-2: "Possibly Damaging"; Align-GVGD: "Class C0"). ClinVar contains an entry for this variant (Variation ID: 1017801). The frequency data for this variant in the population databases is considered unreliable, as metrics indicate poor data quality at this position in the gnomAD database. This sequence change replaces arginine, which is basic and polar, with leucine, which is neutral and non-polar, at codon 52 of the GATA6 protein (p.Arg52Leu).

NM_005257.6(GATA6):c.155G>T (p.Arg52Leu)

Gene: GATA6 (GATA binding protein 6; plus strand). Cytogenetic location: 18q11.2.
Variant type: single nucleotide variant.
Coding change: c.155G>T on transcript NM_005257.6 (MANE Select); coding-DNA position 155, G replaced by T.
Protein change: p.Arg52Leu; replaces arginine 52 with leucine.
Molecular consequence: missense variant.
Genome position (GRCh38, 1-based): chr18:22,171,299, G>T. VCF-style: chr18-22171299-G-T. GRCh37 (hg19) VCF-style: chr18-19751260-G-T.
Other names: short protein forms R52L.
Identifiers: ClinVar variation 1017801 (VCV001017801.10), dbSNP rs541150137, ClinGen allele CA401798830.
Genomic context (GRCh38, chr18:22,171,299, plus strand): 5'-CCTCCACGCCGCCTTCCCCCATCTCTTCCTCGTCCTCCTCCTGCTCCCGGGGCGGAGAGC[G>T]GGGCCCCGGCGGCGCCAGCAACTGCGGGACGCCTCAGCTCGACACGGAGGCGGCGGCCGG-3'
Protein context (NP_005248.2, residues 42-62): SSSSCSRGGE[Arg52Leu]GPGGASNCGT